The following is an entry in ClinVar:

ClinVar aggregate classification (germline): Uncertain significance (1 of 4 stars; one submission).

Submission:

Labcorp Genetics (formerly Invitae), Labcorp
Classification: Uncertain significance. Last evaluated: 2019-12-05. Review status: criteria provided, single submitter. Criteria: Invitae Variant Classification Sherloc (09022015). Collection method: clinical testing. Allele origin: germline.
Comment: In summary, the available evidence is currently insufficient to determine the role of this variant in disease. Therefore, it has been classified as a Variant of Uncertain Significance. Nucleotide substitutions within the consensus splice site are a relatively common cause of aberrant splicing (PMID: 17576681, 9536098). Algorithms developed to predict the effect of sequence changes on RNA splicing suggest that this variant may disrupt the consensus splice site, but this prediction has not been confirmed by published transcriptional studies. This variant is not present in population databases (ExAC no frequency). This sequence change falls in intron 17 of the PHEX gene. It does not directly change the encoded amino acid sequence of the PHEX protein, but it affects a nucleotide within the consensus splice site of the intron.

Literature cited by the submitters: PubMed 17576681; PubMed 9536098.

NM_000444.6(PHEX):c.1768+4_1768+7del

Genes: PHEX (phosphate regulating endopeptidase X-linked; plus strand), PTCHD1-AS (PTCHD1 and PHEX antisense RNA; minus strand). Cytogenetic location: Xp22.11.
Variant type: Deletion.
Coding change: c.1768+4_1768+7del on transcript NM_000444.6 (MANE Select); bases 4 to 7 of the intron after coding-DNA position 1768, 4 bases deleted (AGTA; older notation c.1768+4_1768+7delAGTA).
Molecular consequence: splice donor variant.
Genome position (GRCh38, 1-based): chrX:22,219,107-22,219,110, AGTA deleted; deleting any 4 consecutive bases within chrX:22,219,104-22,219,110 gives the same sequence; the c. name uses the placement nearest the transcript's 3' end. VCF-style (leftmost placement, unchanged base first): chrX-22219103-GGTAA-G. GRCh37 (hg19) VCF-style: chrX-22237220-GGTAA-G.
Other names: c.1768+4_1768+7del (NM_001282754.2).
Identifiers: ClinVar variation 837062 (VCV000837062.9), dbSNP rs1935185742, ClinGen allele CA916083860.